The following is an entry in ClinVar:

ClinVar aggregate classification (germline): Benign/Likely benign. Review status: criteria provided, multiple submitters, no conflicts (2 of 4 stars). 4 submissions from 4 submitters: Benign (1); Likely benign (3). Last evaluated 2024-02-27.

Conditions:
Hereditary cancer-predisposing syndrome. Also called: Neoplastic Syndromes, Hereditary; Tumor predisposition; Hereditary neoplastic syndrome; Hereditary Cancer Syndrome. Identifiers: Orphanet 140162, MedGen C0027672, MeSH D009386, MONDO:0015356.
Classic or attenuated familial adenomatous polyposis. Identifiers: MedGen CN372698, MONDO:0021057.
Familial adenomatous polyposis 1 (FAP1). Also called: POLYPOSIS, ADENOMATOUS INTESTINAL; FAMILIAL ADENOMATOUS POLYPOSIS 1, ATTENUATED. Identifiers: MedGen C2713442, MONDO:0021056, OMIM 175100. Disease mechanism: loss of function.

Allele frequency attached by ClinVar (database versions not stated): gnomAD exomes below 0.00001; TOPMed below 0.00001.
gnomAD v4.1: 2 of 1,611,648 alleles (0.00012%); highest among the groups gnomAD compares: Non-Finnish European, 0.000085%; no homozygotes.

Submissions (4):

Myriad Genetics, Inc.
Classification: Benign for Familial adenomatous polyposis 1. Last evaluated: 2024-02-27. Review status: criteria provided, single submitter. Criteria: Myriad Autosomal Dominant, Autosomal Recessive and X-Linked Classification Criteria (2023). Collection method: clinical testing. Allele origin: unknown.
Comment: This variant is considered benign. This variant is a silent/synonymous amino acid change and it is not expected to impact splicing.

All of Us Research Program, National Institutes of Health
Classification: Likely benign for Classic or attenuated familial adenomatous polyposis. Last evaluated: 2023-04-03. Review status: criteria provided, single submitter. Criteria: ACMG Guidelines, 2015. Collection method: clinical testing. Allele origin: germline. Inheritance: Autosomal dominant inheritance. Observed: 1 variant allele, 1 heterozygote.
Comment: This study involves interpretation of variants in research participants for the purpose of population health screening. Participant phenotype was not available at the time of variant classification. Additional details can be found in publication PMID: 35346344, PMCID: PMC8962531

Color Diagnostics, LLC DBA Color Health
Classification: Likely benign for Hereditary cancer-predisposing syndrome. Last evaluated: 2018-12-03. Review status: criteria provided, single submitter. Criteria: ACMG Guidelines, 2015. Collection method: clinical testing. Allele origin: germline.

Ambry Genetics
Classification: Likely benign for Hereditary cancer-predisposing syndrome. Last evaluated: 2018-07-26. Review status: criteria provided, single submitter. Criteria: Ambry Variant Classification Scheme 2023. Collection method: clinical testing. Allele origin: germline.

NM_000038.6(APC):c.810C>T (p.Asn270=)

Gene: APC (APC regulator of Wnt signaling pathway; plus strand). Cytogenetic location: 5q22.2.
Variant type: single nucleotide variant.
Coding change: c.810C>T on transcript NM_000038.6 (MANE Select); coding-DNA position 810, C replaced by T.
Protein change: p.Asn270=; no amino-acid change (asparagine 270 retained).
Molecular consequence: synonymous variant. On other transcripts: 5 prime UTR variant (1).
Genome position (GRCh38, 1-based): chr5:112,801,359, C>T. VCF-style: chr5-112801359-C-T. GRCh37 (hg19) VCF-style: chr5-112137056-C-T.
Other names: c.810C>T, p.Asn270= (NM_001127510.3, NM_001354895.2, NM_001354896.2 and 1 more transcripts); c.756C>T, p.Asn252= (NM_001127511.3); c.840C>T, p.Asn280= (NM_001354897.2, NM_001354902.2); c.735C>T, p.Asn245= (NM_001354898.2, NM_001354904.2); c.726C>T, p.Asn242= (NM_001354899.2); c.633C>T, p.Asn211= (NM_001354900.2, NM_001354901.2, NM_001354905.2); c.-226C>T (NM_001354906.2).
Identifiers: ClinVar variation 827458 (VCV000827458.7), dbSNP rs1313236573, ClinGen allele CA445755644.